The following is an entry in ClinVar:

NM_001211.6(BUB1B):c.3042G>C (p.Glu1014Asp)

Genes: BUB1B (BUB1 mitotic checkpoint serine/threonine kinase B; plus strand), BUB1B-PAK6 (BUB1B-PAK6 readthrough; plus strand). Cytogenetic location: 15q15.1.
Variant type: single nucleotide variant.
Coding change: c.3042G>C on transcript NM_001211.6 (MANE Select); coding-DNA position 3042, G replaced by C.
Protein change: p.Glu1014Asp; replaces glutamic acid 1014 with aspartic acid.
Molecular consequence: missense variant. On other transcripts: intron variant (2).
Genome position (GRCh38, 1-based): chr15:40,220,648, G>C. VCF-style: chr15-40220648-G-C. GRCh37 (hg19) VCF-style: chr15-40512849-G-C.
Other names: c.-201+2981G>C (NM_001128628.3); c.-118+2981G>C (NM_001128629.3); short protein forms E1014D.
Identifiers: ClinVar variation 4599970 (VCV004599970.1).

ClinVar aggregate classification (germline): Uncertain significance (1 of 4 stars; one submission).

Conditions:
Inborn genetic diseases. Identifiers: MedGen C0950123, MeSH D030342.

gnomAD v4.1: 1 of 1,614,222 alleles (0.000062%); no homozygotes.

Submission:

Ambry Genetics
Classification: Uncertain significance for Inborn genetic diseases. Last evaluated: 2025-11-01. Review status: criteria provided, single submitter. Criteria: Ambry Variant Classification Scheme 2023. Collection method: clinical testing. Allele origin: germline.
Comment: The p.E1014D variant (also known as c.3042G>C), located in coding exon 23 of the BUB1B gene, results from a G to C substitution at nucleotide position 3042. The glutamic acid at codon 1014 is replaced by aspartic acid, an amino acid with highly similar properties. This amino acid position is conserved. In addition, this alteration is predicted to be tolerated by in silico analysis. Based on the available evidence, the clinical significance of this variant remains unclear.